The following is an entry in ClinVar:

ClinVar aggregate classification (germline): Uncertain significance (1 of 4 stars; one submission).

gnomAD v4.1: 4 of 1,614,124 alleles (0.00025%); highest among the groups gnomAD compares: South Asian, 0.0011%; no homozygotes.

Submission:

Labcorp Genetics (formerly Invitae), Labcorp
Classification: Uncertain significance. Last evaluated: 2024-03-09. Review status: criteria provided, single submitter. Criteria: Invitae Variant Classification Sherloc (09022015). Collection method: clinical testing. Allele origin: germline.
Comment: This sequence change replaces glutamic acid, which is acidic and polar, with lysine, which is basic and polar, at codon 553 of the GHR protein (p.Glu553Lys). This variant is present in population databases (no rsID available, gnomAD no frequency). This variant has not been reported in the literature in individuals affected with GHR-related conditions. Advanced modeling of protein sequence and biophysical properties (such as structural, functional, and spatial information, amino acid conservation, physicochemical variation, residue mobility, and thermodynamic stability) performed at Invitae indicates that this missense variant is not expected to disrupt GHR protein function with a negative predictive value of 80%. In summary, the available evidence is currently insufficient to determine the role of this variant in disease. Therefore, it has been classified as a Variant of Uncertain Significance.

NM_000163.5(GHR):c.1657G>A (p.Glu553Lys)

Gene: GHR (growth hormone receptor; plus strand). Cytogenetic location: 5p12.
Variant type: single nucleotide variant.
Coding change: c.1657G>A on transcript NM_000163.5 (MANE Select); coding-DNA position 1657, G replaced by A.
Protein change: p.Glu553Lys; replaces glutamic acid 553 with lysine.
Molecular consequence: missense variant. On other transcripts: 3 prime UTR variant (1).
Genome position (GRCh38, 1-based): chr5:42,719,164, G>A. VCF-style: chr5-42719164-G-A. GRCh37 (hg19) VCF-style: chr5-42719266-G-A.
Other names: c.1678G>A, p.Glu560Lys (NM_001242399.2); c.1657G>A, p.Glu553Lys (NM_001242400.2, NM_001242401.4, NM_001242402.2 and 4 more transcripts); c.1591G>A, p.Glu531Lys (NM_001242460.2); c.*699G>A (NM_001242462.1); short protein forms E553K, E560K, E531K.
Identifiers: ClinVar variation 3695842 (VCV003695842.2).